The following is an entry in ClinVar:

ClinVar aggregate classification (germline): Uncertain significance. Review status: criteria provided, multiple submitters, no conflicts (2 of 4 stars). 2 submissions from 2 submitters: Uncertain significance (2). Last evaluated 2023-06-29.

Conditions:
Familial thoracic aortic aneurysm and aortic dissection (TAAD). Also called: Thoracic aortic aneurysms and dissections. Identifiers: Orphanet 91387, MedGen C4707243, MONDO:0019625.

Submissions (2):

GeneDx
Classification: Uncertain significance. Last evaluated: 2023-06-29. Review status: criteria provided, single submitter. Criteria: GeneDx Variant Classification Process June 2021. Collection method: clinical testing. Allele origin: germline. Affected: yes.
Comment: Has not been previously published as pathogenic or benign to our knowledge; Not observed at significant frequency in large population cohorts (gnomAD); In silico analysis supports that this missense variant does not alter protein structure/function

Ambry Genetics
Classification: Uncertain significance for Familial thoracic aortic aneurysm and aortic dissection. Last evaluated: 2016-07-27. Review status: criteria provided, single submitter. Criteria: Ambry Variant Classification Scheme 2023. Collection method: clinical testing. Allele origin: germline.
Comment: The p.G2328E variant (also known as c.6983G>A), located in coding exon 34 of the NOTCH1 gene, results from a G to A substitution at nucleotide position 6983. The glycine at codon 2328 is replaced by glutamic acid, an amino acid with similar properties. This variant was not reported in population-based cohorts in the following databases: Database of Single Nucleotide Polymorphisms (dbSNP), Exome Aggregation Consortium (ExAC), NHLBI Exome Sequencing Project (ESP), and 1000 Genomes Project. In the ESP, this variant was not observed in 6194 samples (12388 alleles) with coverage at this position. This amino acid position is not well conserved in available vertebrate species. In addition, this alteration is predicted to be tolerated by in silico analysis. Since supporting evidence is limited at this time, the clinical significance of this alteration remains unclear.

NM_017617.5(NOTCH1):c.6983G>A (p.Gly2328Glu)

Gene: NOTCH1 (notch receptor 1; minus strand). Cytogenetic location: 9q34.3.
Variant type: single nucleotide variant.
Coding change: c.6983G>A on transcript NM_017617.5 (MANE Select); coding-DNA position 6983, G replaced by A.
Protein change: p.Gly2328Glu; replaces glycine 2328 with glutamic acid.
Molecular consequence: missense variant.
Genome position (GRCh38, 1-based): chr9:136,496,756, C>T on the plus strand (G>A on the coding strand, the complement: NOTCH1 is on the minus strand). VCF-style: chr9-136496756-C-T. GRCh37 (hg19) VCF-style: chr9-139391208-C-T.
Other names: c.6983G>A, p.Gly2328Glu (LRG_1122t1); short protein forms G2328E.
Identifiers: ClinVar variation 520051 (VCV000520051.6), dbSNP rs1451926227, ClinGen allele CA375629439.
Genomic context (GRCh38, chr9:136,496,756, plus strand): 5'-CCTACCATGCCATGCTGCAGGGAGGGGGCCTGTGTGCTCAGGGGGCCTGGTGCCACACTC[C>T]CCCGCAGAGGGTTGTATTGGTTCGGCACCATGCCGCTCTGCAGCCGGGACAGCCACTCGC-3'
Protein context (NP_060087.3, residues 2318-2338): MVPNQYNPLR[Gly2328Glu]SVAPGPLSTQ